The following is an entry in ClinVar:

NM_025099.6(CTC1):c.*1844G>A

Gene: CTC1 (CST telomere replication complex component 1; minus strand). Cytogenetic location: 17p13.1.
Variant type: single nucleotide variant.
Coding change: c.*1844G>A on transcript NM_025099.6 (MANE Select); 1844 bases downstream of the stop codon, G replaced by A.
Molecular consequence: 3 prime UTR variant. On other transcripts: non-coding transcript variant (1).
Genome position (GRCh38, 1-based): chr17:8,226,336, C>T on the plus strand (G>A on the coding strand, the complement: CTC1 is on the minus strand). VCF-style: chr17-8226336-C-T. GRCh37 (hg19) VCF-style: chr17-8129654-C-T.
Identifiers: ClinVar variation 326010 (VCV000326010.5), dbSNP rs3027252, ClinGen allele CA10647158.

ClinVar aggregate classification (germline): Benign (1 of 4 stars; one submission).

Conditions:
Dyskeratosis congenita. Identifiers: Orphanet 1775, MedGen C0265965, MONDO:0015780.

Allele frequency attached by ClinVar (database versions not stated): TOPMed 0.00100; gnomAD 0.00127; 1000 Genomes Project 0.00419.

Submission:

Illumina Laboratory Services, Illumina
Classification: Benign for Dyskeratosis congenita. Last evaluated: 2018-01-13. Review status: criteria provided, single submitter. Criteria: ICSL Variant Classification Criteria 13 December 2019. Collection method: clinical testing. Allele origin: germline.
Comment: This variant was observed in the ICSL laboratory as part of a predisposition screen in an ostensibly healthy population. It had not been previously curated by ICSL or reported in the Human Gene Mutation Database (HGMD: prior to June 1st, 2018), and was therefore a candidate for classification through an automated scoring system. Utilizing variant allele frequency, disease prevalence and penetrance estimates, and inheritance mode, an automated score was calculated to assess if this variant is too frequent to cause the disease. Based on the score and internal cut-off values, a variant classified as benign is not then subjected to further curation. The score for this variant resulted in a classification of benign for this disease.